The following is an entry in ClinVar:

ClinVar aggregate classification (germline): Uncertain significance. Review status: criteria provided, multiple submitters, no conflicts (2 of 4 stars). 2 submissions from 2 submitters: Uncertain significance (2). Last evaluated 2022-09-23.

Conditions:
Amyotrophic lateral sclerosis type 19. Identifiers: Orphanet 803, MedGen C3715155, MONDO:0014223, OMIM 615515.

Allele frequency attached by ClinVar (database versions not stated): gnomAD exomes below 0.00001; gnomAD 0.00001; TOPMed 0.00002; 1000 Genomes Project 30x 0.00016; 1000 Genomes Project 0.00020.
gnomAD v4.1: 2 of 1,613,886 alleles (0.00012%); highest among the groups gnomAD compares: Non-Finnish European, 0.00017%; no homozygotes.

Submissions (2):

Laboratorio de Genetica e Diagnostico Molecular, Hospital Israelita Albert Einstein
Classification: Uncertain significance for Amyotrophic lateral sclerosis type 19. Last evaluated: 2022-09-23. Review status: criteria provided, single submitter. Criteria: ACMG Guidelines, 2015. Collection method: clinical testing. Allele origin: germline. Affected: yes.
Comment: ACMG classification criteria: PM2 supporting

Labcorp Genetics (formerly Invitae), Labcorp
Classification: Uncertain significance. Last evaluated: 2022-02-22. Review status: criteria provided, single submitter. Criteria: Invitae Variant Classification Sherloc (09022015). Collection method: clinical testing. Allele origin: germline.
Comment: Algorithms developed to predict the effect of missense changes on protein structure and function are either unavailable or do not agree on the potential impact of this missense change (SIFT: "Deleterious"; PolyPhen-2: "Probably Damaging"; Align-GVGD: "Class C0"). This variant has not been reported in the literature in individuals affected with ERBB4-related conditions. This variant is present in population databases (rs545302445, gnomAD 0.0009%). This sequence change replaces glycine, which is neutral and non-polar, with aspartic acid, which is acidic and polar, at codon 1293 of the ERBB4 protein (p.Gly1293Asp). In summary, the available evidence is currently insufficient to determine the role of this variant in disease. Therefore, it has been classified as a Variant of Uncertain Significance.

NM_005235.3(ERBB4):c.3878G>A (p.Gly1293Asp)

Gene: ERBB4 (erb-b2 receptor tyrosine kinase 4; minus strand). Cytogenetic location: 2q34.
Variant type: single nucleotide variant.
Coding change: c.3878G>A on transcript NM_005235.3 (MANE Select); coding-DNA position 3878, G replaced by A.
Protein change: p.Gly1293Asp; replaces glycine 1293 with aspartic acid.
Molecular consequence: missense variant.
Genome position (GRCh38, 1-based): chr2:211,383,664, C>T on the plus strand (G>A on the coding strand, the complement: ERBB4 is on the minus strand). VCF-style: chr2-211383664-C-T. GRCh37 (hg19) VCF-style: chr2-212248389-C-T.
Other names: c.3830G>A, p.Gly1277Asp (NM_001042599.2); short protein forms G1293D, G1277D.
Identifiers: ClinVar variation 2177171 (VCV002177171.6), dbSNP rs545302445, ClinGen allele CA65138395.